The following is an entry in ClinVar:

ClinVar aggregate classification (germline): Uncertain significance. Review status: reviewed by expert panel (3 of 4 stars). 4 submissions from 4 submitters: Uncertain significance (1). 3 of the submissions do not count toward it. Last evaluated 2026-03-17.

Conditions:
Glanzmann thrombasthenia. Also called: PLATELET GLYCOPROTEIN IIb-IIIa DEFICIENCY; THROMBASTHENIA OF GLANZMANN AND NAEGELI; Thrombasthenia; Glanzmann's thrombasthenia. Identifiers: Orphanet 849, MedGen C0040015, MONDO:0100326.
Inborn genetic diseases. Identifiers: MedGen C0950123, MeSH D030342.
ITGA2B-related disorder. Also called: ITGA2B-related disorders; ITGA2B-related condition.

Allele frequency attached by ClinVar (database versions not stated): ExAC 0.00001; gnomAD exomes 0.00001 and 0.00002; gnomAD 0.00003 and 0.00004; TOPMed 0.00005; ESP Exome Variant Server 0.00008.
gnomAD v4.1: 37 of 1,613,616 alleles (0.0023%); highest among the groups gnomAD compares: African/African-American, 0.008%; no homozygotes.

Submissions (4):

ClinGen Platelet Disorders Variant Curation Expert Panel, ClinGen
Classification: Uncertain significance for Glanzmann thrombasthenia. Last evaluated: 2026-03-17. Review status: reviewed by expert panel. Criteria: ClinGen Platelet ACMG Specifications v2-1. Collection method: curation. Allele origin: germline. Inheritance: Autosomal recessive inheritance.
Comment: After a comprehensive literature search, the NM_000419.5(ITGA2B):c.1958C>T (p.Pro653Leu) variant has not been identified in any individuals with Glanzmann thrombasthenia. The highest population minor allele frequency in gnomAD v4.1 is 0.00008004 (6/74958alleles) in the African/African American genetic ancestry group, which is lower than the ClinGen PD VCEP threshold (<0.0001; PM2_Supporting). The computational predictor REVEL gives a score of 0.217, predicting no deleterious effect on gene function (BP4). In summary, this variant meets the criteria to be classified as variant of uncertain significance for autosomal recessive Glanzmann Thrombasthenia based on the ACMG/AMP criteria applied, as specified by the ClinGen PD VCEP: PM2_supporting and BP4 (PD VCEP specifications version 2.1).

PreventionGenetics, part of Exact Sciences
Classification: Uncertain significance for ITGA2B-related condition. Last evaluated: 2025-08-18. Review status: criteria provided, single submitter. Criteria: ACMG Guidelines, 2015. Collection method: clinical testing. Allele origin: germline. Not counted in ClinVar's aggregate classification.
Comment: The ITGA2B c.1958C>T variant is predicted to result in the amino acid substitution p.Pro653Leu. To our knowledge, this variant has not been reported in the literature. This variant is reported in 0.0047% of alleles in individuals of European (Finnish) descent in gnomAD. At this time, the clinical significance of this variant is uncertain due to the absence of conclusive functional and genetic evidence.

Ambry Genetics
Classification: Uncertain significance for Inborn genetic diseases. Last evaluated: 2023-12-28. Review status: criteria provided, single submitter. Criteria: Ambry Variant Classification Scheme 2023. Collection method: clinical testing. Allele origin: germline. Not counted in ClinVar's aggregate classification.

Illumina Laboratory Services, Illumina
Classification: Uncertain significance for Glanzmann thrombasthenia 1. Last evaluated: 2018-01-12. Review status: criteria provided, single submitter. Criteria: ICSL Variant Classification Criteria 13 December 2019. Collection method: clinical testing. Allele origin: germline. Not counted in ClinVar's aggregate classification.

NM_000419.5(ITGA2B):c.1958C>T (p.Pro653Leu)

Gene: ITGA2B (integrin subunit alpha 2b; minus strand). Cytogenetic location: 17q21.31.
Variant type: single nucleotide variant.
Coding change: c.1958C>T on transcript NM_000419.5 (MANE Select); coding-DNA position 1958, C replaced by T.
Protein change: p.Pro653Leu; replaces proline 653 with leucine.
Molecular consequence: missense variant.
Genome position (GRCh38, 1-based): chr17:44,378,498, G>A on the plus strand (C>T on the coding strand, the complement: ITGA2B is on the minus strand). VCF-style: chr17-44378498-G-A. GRCh37 (hg19) VCF-style: chr17-42455866-G-A.
Other names: NM_000419.5(ITGA2B):c.1958C>T; p.Pro653Leu; c.1958C>T (LRG_479t1, NM_000419.4); short protein forms P653L.
Identifiers: ClinVar variation 323548 (VCV000323548.8), dbSNP rs375936260, ClinGen allele CA8602880.